The following is an entry in ClinVar:

ClinVar aggregate classification (germline): Uncertain significance (1 of 4 stars; one submission).

Conditions:
Hereditary cancer-predisposing syndrome. Also called: Neoplastic Syndromes, Hereditary; Tumor predisposition; Hereditary neoplastic syndrome; Hereditary Cancer Syndrome. Identifiers: Orphanet 140162, MedGen C0027672, MeSH D009386, MONDO:0015356.

Submission:

Ambry Genetics
Classification: Uncertain significance for Hereditary cancer-predisposing syndrome. Last evaluated: 2026-07-01. Review status: criteria provided, single submitter. Criteria: Ambry Variant Classification Scheme 2023. Collection method: clinical testing. Allele origin: germline.
Comment: The p.R56W variant (also known as c.166A>T), located in coding exon 1 of the AXIN2 gene, results from an A to T substitution at nucleotide position 166. The arginine at codon 56 is replaced by tryptophan, an amino acid with dissimilar properties. This amino acid position is conserved. In addition, the in silico prediction for this alteration is inconclusive. Based on the available evidence, the clinical significance of this variant remains unclear.

NM_004655.4(AXIN2):c.166A>T (p.Arg56Trp)

Gene: AXIN2 (axin 2; minus strand). Cytogenetic location: 17q24.1.
Variant type: single nucleotide variant.
Coding change: c.166A>T on transcript NM_004655.4 (MANE Select); coding-DNA position 166, A replaced by T.
Protein change: p.Arg56Trp; replaces arginine 56 with tryptophan.
Molecular consequence: missense variant.
Genome position (GRCh38, 1-based): chr17:65,558,455, T>A on the plus strand (A>T on the coding strand, the complement: AXIN2 is on the minus strand). VCF-style: chr17-65558455-T-A. GRCh37 (hg19) VCF-style: chr17-63554573-T-A.
Other names: c.166A>T, p.Arg56Trp (NM_001363813.1); short protein forms R56W.
Identifiers: ClinVar variation 5032522 (VCV005032522.1).